The following is an entry in ClinVar:

ClinVar aggregate classification (germline): Uncertain significance (1 of 4 stars; one submission).

Conditions:
Inborn genetic diseases. Identifiers: MedGen C0950123, MeSH D030342.

gnomAD v4.1: 6 of 1,611,016 alleles (0.00037%); highest among the groups gnomAD compares: Non-Finnish European, 0.00051%; no homozygotes.

Submission:

Ambry Genetics
Classification: Uncertain significance for Inborn genetic diseases. Last evaluated: 2025-08-12. Review status: criteria provided, single submitter. Criteria: Ambry Variant Classification Scheme 2023. Collection method: clinical testing. Allele origin: germline.
Comment: The p.V781A variant (also known as c.2342T>C), located in coding exon 14 of the FANCM gene, results from a T to C substitution at nucleotide position 2342. The valine at codon 781 is replaced by alanine, an amino acid with similar properties. This amino acid position is conserved. In addition, this alteration is predicted to be tolerated by in silico analysis. Based on the available evidence, the clinical significance of this variant remains unclear.

NM_020937.4(FANCM):c.2342T>C (p.Val781Ala)

Gene: FANCM (FA complementation group M; plus strand). Cytogenetic location: 14q21.2.
Variant type: single nucleotide variant.
Coding change: c.2342T>C on transcript NM_020937.4 (MANE Select); coding-DNA position 2342, T replaced by C.
Protein change: p.Val781Ala; replaces valine 781 with alanine.
Molecular consequence: missense variant.
Genome position (GRCh38, 1-based): chr14:45,175,096, T>C. VCF-style: chr14-45175096-T-C. GRCh37 (hg19) VCF-style: chr14-45644299-T-C.
Other names: c.2264T>C, p.Val755Ala (NM_001308133.2); short protein forms V755A, V781A.
Identifiers: ClinVar variation 4254668 (VCV004254668.1).